The following is an entry in ClinVar:

NM_001349206.2(LPIN1):c.1087G>A (p.Gly363Ser)

Gene: LPIN1 (lipin 1; plus strand). Cytogenetic location: 2p25.1.
Variant type: single nucleotide variant.
Coding change: c.1087G>A on transcript NM_001349206.2 (MANE Select); coding-DNA position 1087, G replaced by A.
Protein change: p.Gly363Ser; replaces glycine 363 with serine.
Molecular consequence: missense variant. On other transcripts: non-coding transcript variant (1).
Genome position (GRCh38, 1-based): chr2:11,782,330, G>A. VCF-style: chr2-11782330-G-A. GRCh37 (hg19) VCF-style: chr2-11922456-G-A.
Other names: c.997G>A, p.Gly333Ser (NM_001261427.3); c.1234G>A, p.Gly412Ser (NM_001261428.3); c.979G>A, p.Gly327Ser (NM_001349199.2, NM_001349200.2, NM_001349201.2 and 1 more transcripts); c.1084G>A, p.Gly362Ser (NM_001349202.2, NM_001349203.2); c.1087G>A, p.Gly363Ser (NM_001349204.2, NM_001349205.2); c.1177G>A, p.Gly393Ser (NM_001349207.2); c.1126G>A, p.Gly376Ser (NM_001349208.2); c.979G>A (NM_145693.2); short protein forms G333S, G363S, G412S, G362S, G327S, G376S, G393S.
Identifiers: ClinVar variation 3119763 (VCV003119763.2), dbSNP rs774937420, ClinGen allele CA1533601.

ClinVar aggregate classification (germline): Uncertain significance. Review status: criteria provided, multiple submitters, no conflicts (2 of 4 stars). 2 submissions from 2 submitters: Uncertain significance (2). Last evaluated 2024-08-29.

Conditions:
Inborn genetic diseases. Identifiers: MedGen C0950123, MeSH D030342.

Allele frequency attached by ClinVar (database versions not stated): gnomAD 0.00001.
gnomAD v4.1: 34 of 1,614,070 alleles (0.0021%); highest among the groups gnomAD compares: Non-Finnish European, 0.0028%; no homozygotes.

Submissions (2):

GeneDx
Classification: Uncertain significance. Last evaluated: 2024-08-29. Review status: criteria provided, single submitter. Criteria: GeneDx Variant Classification Process June 2021. Collection method: clinical testing. Allele origin: germline. Affected: yes.
Comment: Not observed at significant frequency in large population cohorts (gnomAD); In silico analysis indicates that this missense variant does not alter protein structure/function; Has not been previously published as pathogenic or benign to our knowledge

Ambry Genetics
Classification: Uncertain significance for Inborn genetic diseases. Last evaluated: 2023-12-27. Review status: criteria provided, single submitter. Criteria: Ambry Variant Classification Scheme 2023. Collection method: clinical testing. Allele origin: germline.